The following is an entry in ClinVar:

NM_004168.4(SDHA):c.1140G>C (p.Leu380=)

Gene: SDHA (succinate dehydrogenase complex flavoprotein subunit A; plus strand). Cytogenetic location: 5p15.33.
Variant type: single nucleotide variant.
Coding change: c.1140G>C on transcript NM_004168.4 (MANE Select); coding-DNA position 1140, G replaced by C.
Protein change: p.Leu380=; no amino-acid change (leucine 380 retained).
Molecular consequence: synonymous variant.
Genome position (GRCh38, 1-based): chr5:235,219, G>C. VCF-style: chr5-235219-G-C. GRCh37 (hg19) VCF-style: chr5-235334-G-C.
Other names: c.996G>C, p.Leu332= (NM_001294332.2); c.1140G>C, p.Leu380= (NM_001330758.2).
Identifiers: ClinVar variation 702130 (VCV000702130.15), dbSNP rs146348714, ClinGen allele CA3173118.

ClinVar aggregate classification (germline): Conflicting classifications of pathogenicity. Review status: criteria provided, conflicting classifications (1 of 4 stars). 4 submissions from 4 submitters: Uncertain significance (1); Benign (1); Likely benign (2). Last evaluated 2025-09-13.

Conditions:
Pheochromocytoma/paraganglioma syndrome 5. Also called: Paragangliomas 5; SDHA-Related Hereditary Paraganglioma-Pheochromocytoma Syndrome. Identifiers: Orphanet 29072, MedGen C3279992, MONDO:0013602, OMIM 614165.
Mitochondrial complex II deficiency, nuclear type 1. Also called: SUCCINATE CoQ REDUCTASE DEFICIENCY. Identifiers: Orphanet 3208, MedGen C5700310, MONDO:0100294, OMIM 252011.
Hereditary cancer-predisposing syndrome. Also called: Tumor predisposition; Neoplastic Syndromes, Hereditary; Hereditary Cancer Syndrome; Hereditary neoplastic syndrome. Identifiers: Orphanet 140162, MedGen C0027672, MeSH D009386, MONDO:0015356.
Neurodegeneration with ataxia and late-onset optic atrophy. Identifiers: MedGen C5543254, MONDO:0031006, OMIM 619259.
Dilated cardiomyopathy 1GG (CMD1GG). Identifiers: Orphanet 154, MedGen C3150898, MONDO:0013339, OMIM 613642.

Allele frequency attached by ClinVar (database versions not stated): ExAC 0.00001; gnomAD 0.00001; TOPMed 0.00001; ESP Exome Variant Server 0.00008.
gnomAD v4.1: 15 of 1,613,848 alleles (0.00093%); highest among the groups gnomAD compares: Non-Finnish European, 0.0013%; no homozygotes.

Submissions (4):

Labcorp Genetics (formerly Invitae), Labcorp
Classification: Likely benign for Pheochromocytoma/paraganglioma syndrome 5; Mitochondrial complex II deficiency, nuclear type 1. Last evaluated: 2025-09-13. Review status: criteria provided, single submitter. Criteria: Invitae Variant Classification Sherloc (09022015). Collection method: clinical testing. Allele origin: germline.

Myriad Genetics, Inc.
Classification: Benign for Pheochromocytoma/paraganglioma syndrome 5. Last evaluated: 2025-03-07. Review status: criteria provided, single submitter. Criteria: Myriad Autosomal Dominant, Autosomal Recessive and X-Linked Classification Criteria (2023). Collection method: clinical testing. Allele origin: unknown.
Comment: This variant is considered benign. This variant is a silent/synonymous amino acid change and it is not expected to impact splicing.

Department of Pathology and Laboratory Medicine, Sinai Health System
Classification: Uncertain significance for Mitochondrial complex II deficiency, nuclear type 1; Dilated cardiomyopathy 1GG; Pheochromocytoma/paraganglioma syndrome 5; Neurodegeneration with ataxia and late-onset optic atrophy. Last evaluated: 2024-01-29. Review status: criteria provided, single submitter. Criteria: ACMG Guidelines, 2015. Collection method: clinical testing. Allele origin: germline. Affected: yes.

Ambry Genetics
Classification: Likely benign for Hereditary cancer-predisposing syndrome. Last evaluated: 2021-04-27. Review status: criteria provided, single submitter. Criteria: Ambry Variant Classification Scheme 2023. Collection method: clinical testing. Allele origin: germline.